The following is an entry in ClinVar:

NM_022114.4(PRDM16):c.3514A>G (p.Thr1172Ala)

Gene: PRDM16 (PR/SET domain 16; plus strand). Cytogenetic location: 1p36.32.
Variant type: single nucleotide variant.
Coding change: c.3514A>G on transcript NM_022114.4 (MANE Select); coding-DNA position 3514, A replaced by G.
Protein change: p.Thr1172Ala; replaces threonine 1172 with alanine.
Molecular consequence: missense variant.
Genome position (GRCh38, 1-based): chr1:3,431,101, A>G. VCF-style: chr1-3431101-A-G. GRCh37 (hg19) VCF-style: chr1-3347665-A-G.
Other names: c.3514A>G, p.Thr1172Ala (NM_199454.3); short protein forms T1172A.
Identifiers: ClinVar variation 3371206 (VCV003371206.1).

ClinVar aggregate classification (germline): Uncertain significance (1 of 4 stars; one submission).

Submission:

GeneDx
Classification: Uncertain significance. Last evaluated: 2024-03-24. Review status: criteria provided, single submitter. Criteria: GeneDx Variant Classification Process June 2021. Collection method: clinical testing. Allele origin: germline. Affected: yes.
Comment: Has not been previously published as pathogenic or benign to our knowledge; Not observed at significant frequency in large population cohorts (gnomAD); In silico analysis supports that this missense variant does not alter protein structure/function